The following is an entry in ClinVar:

ClinVar aggregate classification (germline): Uncertain significance. Review status: criteria provided, multiple submitters, no conflicts (2 of 4 stars). 2 submissions from 2 submitters: Uncertain significance (2). Last evaluated 2024-07-13.

Conditions:
Hereditary cancer-predisposing syndrome. Also called: Tumor predisposition; Neoplastic Syndromes, Hereditary; Hereditary neoplastic syndrome; Hereditary Cancer Syndrome. Identifiers: Orphanet 140162, MedGen C0027672, MeSH D009386, MONDO:0015356.
Familial cancer of breast. Also called: Hereditary breast cancer; hereditary breast carcinoma; BREAST CANCER, FAMILIAL. Identifiers: Orphanet 227535, MedGen C0346153, MONDO:0016419, OMIM 114480. Disease mechanism: loss of function.

Submissions (2):

Ambry Genetics
Classification: Uncertain significance for Hereditary cancer-predisposing syndrome. Last evaluated: 2024-07-13. Review status: criteria provided, single submitter. Criteria: Ambry Variant Classification Scheme 2023. Collection method: clinical testing. Allele origin: germline.
Comment: The p.G700D variant (also known as c.2099G>A), located in coding exon 11 of the BARD1 gene, results from a G to A substitution at nucleotide position 2099. The glycine at codon 700 is replaced by aspartic acid, an amino acid with similar properties. This amino acid position is highly conserved in available vertebrate species. In addition, the in silico prediction for this alteration is inconclusive. Since supporting evidence is limited at this time, the clinical significance of this alteration remains unclear.

Labcorp Genetics (formerly Invitae), Labcorp
Classification: Uncertain significance for Familial cancer of breast. Last evaluated: 2020-11-30. Review status: criteria provided, single submitter. Criteria: Invitae Variant Classification Sherloc (09022015). Collection method: clinical testing. Allele origin: germline.
Comment: This sequence change replaces glycine with aspartic acid at codon 700 of the BARD1 protein (p.Gly700Asp). The glycine residue is highly conserved and there is a moderate physicochemical difference between glycine and aspartic acid. This variant is not present in population databases (ExAC no frequency). This variant has not been reported in the literature in individuals with BARD1-related conditions. Algorithms developed to predict the effect of missense changes on protein structure and function (SIFT, PolyPhen-2, Align-GVGD) all suggest that this variant is likely to be disruptive, but these predictions have not been confirmed by published functional studies and their clinical significance is uncertain. In summary, the available evidence is currently insufficient to determine the role of this variant in disease. Therefore, it has been classified as a Variant of Uncertain Significance.

NM_000465.4(BARD1):c.2099G>A (p.Gly700Asp)

Gene: BARD1 (BRCA1 associated RING domain 1; minus strand). Cytogenetic location: 2q35.
Variant type: single nucleotide variant.
Coding change: c.2099G>A on transcript NM_000465.4 (MANE Select); coding-DNA position 2099, G replaced by A.
Protein change: p.Gly700Asp; replaces glycine 700 with aspartic acid.
Molecular consequence: missense variant. On other transcripts: non-coding transcript variant (3).
Genome position (GRCh38, 1-based): chr2:214,728,911, C>T on the plus strand (G>A on the coding strand, the complement: BARD1 is on the minus strand). VCF-style: chr2-214728911-C-T. GRCh37 (hg19) VCF-style: chr2-215593635-C-T.
Other names: c.2042G>A, p.Gly681Asp (NM_001282543.2); c.746G>A, p.Gly249Asp (NM_001282545.2); c.689G>A, p.Gly230Asp (NM_001282548.2); c.560G>A, p.Gly187Asp (NM_001282549.2); short protein forms G187D, G249D, G230D, G681D, G700D.
Identifiers: ClinVar variation 1516021 (VCV001516021.12), dbSNP rs2105987498, ClinGen allele CA350450623.